The following is an entry in ClinVar:

ClinVar aggregate classification (germline): Conflicting classifications of pathogenicity. Review status: criteria provided, conflicting classifications (1 of 4 stars). 2 submissions from 2 submitters: Uncertain significance (1); Likely benign (1). Last evaluated 2025-06-18.

Conditions:
Inborn genetic diseases. Identifiers: MedGen C0950123, MeSH D030342.

Allele frequency attached by ClinVar (database versions not stated): ExAC 0.00002; gnomAD exomes 0.00002; TOPMed 0.00002; ESP Exome Variant Server 0.00008.
gnomAD v4.1: 30 of 1,614,088 alleles (0.0019%); highest among the groups gnomAD compares: East Asian, 0.0067%; no homozygotes.

Submissions (2):

Ambry Genetics
Classification: Likely benign for Inborn genetic diseases. Last evaluated: 2025-06-18. Review status: criteria provided, single submitter. Criteria: Ambry Variant Classification Scheme 2023. Collection method: clinical testing. Allele origin: germline.

GeneDx
Classification: Uncertain significance. Last evaluated: 2023-10-23. Review status: criteria provided, single submitter. Criteria: GeneDx Variant Classification Process June 2021. Collection method: clinical testing. Allele origin: germline. Affected: yes.
Comment: Not observed at significant frequency in large population cohorts (gnomAD); In silico analysis supports that this missense variant does not alter protein structure/function; Has not been previously published as pathogenic or benign to our knowledge

NM_213649.2(SFXN4):c.377C>T (p.Thr126Met)

Gene: SFXN4 (sideroflexin 4; minus strand). Cytogenetic location: 10q26.11.
Variant type: single nucleotide variant.
Coding change: c.377C>T on transcript NM_213649.2 (MANE Select); coding-DNA position 377, C replaced by T.
Protein change: p.Thr126Met; replaces threonine 126 with methionine.
Molecular consequence: missense variant. On other transcripts: non-coding transcript variant (1).
Genome position (GRCh38, 1-based): chr10:119,158,046, G>A on the plus strand (C>T on the coding strand, the complement: SFXN4 is on the minus strand). VCF-style: chr10-119158046-G-A. GRCh37 (hg19) VCF-style: chr10-120917558-G-A.
Other names: c.377C>T, p.Thr126Met (NM_213650.1); short protein forms T126M.
Identifiers: ClinVar variation 2663461 (VCV002663461.2), dbSNP rs368065380, ClinGen allele CA5714564.